The following is an entry in ClinVar:

ClinVar aggregate classification (germline): Uncertain significance. Review status: criteria provided, multiple submitters, no conflicts (2 of 4 stars). 4 submissions from 4 submitters: Uncertain significance (4). Last evaluated 2024-10-15.

Allele frequency attached by ClinVar (database versions not stated): 1000 Genomes Project 0.00020; 1000 Genomes Project 30x 0.00062; gnomAD 0.00074; TOPMed 0.00084; ESP Exome Variant Server 0.00106.

Submissions (4):

Blueprint Genetics
Classification: Uncertain significance. Last evaluated: 2024-10-15. Review status: criteria provided, single submitter. Criteria: ACMG Guidelines, 2015. Collection method: clinical testing. Allele origin: germline.

GeneDx
Classification: Uncertain significance. Last evaluated: 2024-05-13. Review status: criteria provided, single submitter. Criteria: GeneDx Variant Classification Process June 2021. Collection method: clinical testing. Allele origin: germline. Affected: yes.
Comment: In silico analysis indicates that this missense variant does not alter protein structure/function; Has not been previously published as pathogenic or benign to our knowledge

Ambry Genetics
Classification: Uncertain significance. Last evaluated: 2023-06-06. Review status: criteria provided, single submitter. Criteria: Ambry Variant Classification Scheme 2023. Collection method: clinical testing. Allele origin: germline.

Labcorp Genetics (formerly Invitae), Labcorp
Classification: Uncertain significance. Last evaluated: 2023-06-05. Review status: criteria provided, single submitter. Criteria: Invitae Variant Classification Sherloc (09022015). Collection method: clinical testing. Allele origin: germline.
Comment: In summary, the available evidence is currently insufficient to determine the role of this variant in disease. Therefore, it has been classified as a Variant of Uncertain Significance. Experimental studies and prediction algorithms are not available or were not evaluated, and the functional significance of this variant is currently unknown. This variant has not been reported in the literature in individuals affected with ABCA2-related conditions. This variant is present in population databases (rs55971316, gnomAD 0.1%), and has an allele count higher than expected for a pathogenic variant. This sequence change replaces arginine, which is basic and polar, with glutamine, which is neutral and polar, at codon 2424 of the ABCA2 protein (p.Arg2424Gln).

NM_001606.5(ABCA2):c.7181G>A (p.Arg2394Gln)

Gene: ABCA2 (ATP binding cassette subfamily A member 2; minus strand). Cytogenetic location: 9q34.3.
Variant type: single nucleotide variant.
Coding change: c.7181G>A on transcript NM_001606.5 (MANE Select); coding-DNA position 7181, G replaced by A.
Protein change: p.Arg2394Gln; replaces arginine 2394 with glutamine.
Molecular consequence: missense variant.
Genome position (GRCh38, 1-based): chr9:137,008,510, C>T on the plus strand (G>A on the coding strand, the complement: ABCA2 is on the minus strand). VCF-style: chr9-137008510-C-T. GRCh37 (hg19) VCF-style: chr9-139902962-C-T.
Other names: c.7178G>A, p.Arg2393Gln (NM_001411042.1); c.7271G>A, p.Arg2424Gln (NM_212533.3); short protein forms R2424Q, R2393Q, R2394Q.
Identifiers: ClinVar variation 2511581 (VCV002511581.7), dbSNP rs55971316, ClinGen allele CA5353261.